The following is an entry in ClinVar:

NM_000246.4(CIITA):c.2411G>A (p.Arg804Gln)

Gene: CIITA (class II major histocompatibility complex transactivator; plus strand). Cytogenetic location: 16p13.13.
Variant type: single nucleotide variant.
Coding change: c.2411G>A on transcript NM_000246.4 (MANE Select); coding-DNA position 2411, G replaced by A.
Protein change: p.Arg804Gln; replaces arginine 804 with glutamine.
Molecular consequence: missense variant. On other transcripts: intron variant (1).
Genome position (GRCh38, 1-based): chr16:10,907,903, G>A. VCF-style: chr16-10907903-G-A. GRCh37 (hg19) VCF-style: chr16-11001760-G-A.
Other names: c.2414G>A, p.Arg805Gln (NM_001286402.1, NM_001379332.1); c.2267G>A, p.Arg756Gln (NM_001379330.1); c.2264G>A, p.Arg755Gln (NM_001379331.1); c.2411G>A, p.Arg804Gln (NM_001379333.1); c.2342G>A, p.Arg781Gln (NM_001379334.1); c.860-1080G>A (NM_001286403.2); short protein forms R756Q, R805Q, R755Q, R781Q, R804Q.
Identifiers: ClinVar variation 2156314 (VCV002156314.4), dbSNP rs543333483, ClinGen allele CA277748005.

ClinVar aggregate classification (germline): Uncertain significance. Review status: criteria provided, multiple submitters, no conflicts (2 of 4 stars). 2 submissions from 2 submitters: Uncertain significance (2). Last evaluated 2024-10-16.

Conditions:
MHC class II deficiency. Also called: Bare lymphocyte syndrome 2; BLS, TYPE II. Identifiers: Orphanet 572, MedGen C5447452, MONDO:0008855.

Allele frequency attached by ClinVar (database versions not stated): 1000 Genomes Project 30x 0.00016; 1000 Genomes Project 0.00020; gnomAD 0.00001.
gnomAD v4.1: 7 of 1,583,618 alleles (0.00044%); highest among the groups gnomAD compares: Middle Eastern, 0.017%; no homozygotes.

Submissions (2):

Labcorp Genetics (formerly Invitae), Labcorp
Classification: Uncertain significance for MHC class II deficiency. Last evaluated: 2024-10-16. Review status: criteria provided, single submitter. Criteria: Invitae Variant Classification Sherloc (09022015). Collection method: clinical testing. Allele origin: germline.
Comment: This sequence change replaces arginine, which is basic and polar, with glutamine, which is neutral and polar, at codon 804 of the CIITA protein (p.Arg804Gln). This variant is not present in population databases (gnomAD no frequency). This variant has not been reported in the literature in individuals affected with CIITA-related conditions. ClinVar contains an entry for this variant (Variation ID: 2156314). An algorithm developed to predict the effect of missense changes on protein structure and function (PolyPhen-2) suggests that this variant is likely to be tolerated. In summary, the available evidence is currently insufficient to determine the role of this variant in disease. Therefore, it has been classified as a Variant of Uncertain Significance.

Breakthrough Genomics
Classification: Uncertain significance. Review status: criteria provided, single submitter. Criteria: ACMG Guidelines, 2015. Collection method: not provided. Allele origin: germline. Inheritance: Autosomal recessive inheritance. Affected: yes.